The following is an entry in ClinVar:

ClinVar aggregate classification (germline): Likely pathogenic (1 of 4 stars; one submission).

Conditions:
Hematuria, benign familial, 1 (BFH1). Also called: THIN MEMBRANE NEPHROPATHY. Identifiers: MedGen CN376803, MONDO:0007709, OMIM 141200.

Submission:

Department of Clinical Genetics, Medical University of Lodz
Classification: Likely pathogenic for Hematuria, benign familial, 1. Last evaluated: 2024-11-12. Review status: criteria provided, single submitter. Criteria: ACMG Guidelines, 2015. Collection method: clinical testing. Allele origin: germline. Inheritance: Autosomal dominant inheritance. Affected: yes. Observed: 2 variant alleles.
Comment: A loss-of-function variant identified in a disease-associated gene that is consistent with the observed phenotype. The inheritance pattern is consistent with a paternal modela and with segregation observed within affected families.

Literature cited by the submitters: DOI 10.1038/gim.2015.30.

NM_000092.5(COL4A4):c.974del (p.Lys325fs)

Gene: COL4A4 (collagen type IV alpha 4 chain; minus strand). Cytogenetic location: 2q36.3.
Variant type: Deletion.
Coding change: c.974del on transcript NM_000092.5 (MANE Select); coding-DNA position 974, one base deleted (A; older notation c.974delA).
Protein change: p.Lys325fs; shifts the reading frame from lysine 325.
Molecular consequence: frameshift variant.
Genome position (GRCh38, 1-based): chr2:227,101,866, T deleted on the plus strand (A on the coding strand, the reverse complement: COL4A4 is on the minus strand); the first of 3 consecutive T bases (chr2:227,101,866-227,101,868); deleting any one gives the same sequence. VCF-style (leftmost placement, unchanged base first): chr2-227101865-CT-C. GRCh37 (hg19) VCF-style: chr2-227966581-CT-C.
Other names: short protein forms K325fs.
Identifiers: ClinVar variation 3375468 (VCV003375468.1).